The following is an entry in ClinVar:

NM_006218.4(PIK3CA):c.2151C>G (p.Asp717Glu)

Gene: PIK3CA (phosphatidylinositol-4,5-bisphosphate 3-kinase catalytic subunit alpha; plus strand). Cytogenetic location: 3q26.32.
Variant type: single nucleotide variant.
Coding change: c.2151C>G on transcript NM_006218.4 (MANE Select); coding-DNA position 2151, C replaced by G.
Protein change: p.Asp717Glu; replaces aspartic acid 717 with glutamic acid.
Molecular consequence: missense variant.
Genome position (GRCh38, 1-based): chr3:179,221,121, C>G. VCF-style: chr3-179221121-C-G. GRCh37 (hg19) VCF-style: chr3-178938909-C-G.
Other names: short protein forms D717E.
Identifiers: ClinVar variation 3383615 (VCV003383615.1).
Genomic context (GRCh38, chr3:179,221,121, plus strand): 5'-GTATTTGAAGCACCTGAATAGGCAAGTCGAGGCAATGGAAAAGCTCATTAACTTAACTGA[C>G]ATTCTCAAACAGGAGAAGAAGGATGAAACACAAAAGGTGTGTGACTCTAGTTTGTGTTTG-3'
Protein context (NP_006209.2, residues 707-727): EAMEKLINLT[Asp717Glu]ILKQEKKDET

ClinVar aggregate classification (germline): Uncertain significance (1 of 4 stars; one submission).

Submission:

GeneDx
Classification: Uncertain significance. Last evaluated: 2024-05-28. Review status: criteria provided, single submitter. Criteria: GeneDx Variant Classification Process June 2021. Collection method: clinical testing. Allele origin: germline. Affected: yes.
Comment: Not observed at significant frequency in large population cohorts (gnomAD); In silico analysis indicates that this missense variant does not alter protein structure/function; Has not been previously published as pathogenic or benign to our knowledge